The following is an entry in ClinVar:

NM_001267550.2(TTN):c.24358C>T (p.Pro8120Ser)

Gene: TTN (titin; minus strand). Cytogenetic location: 2q31.2.
Variant type: single nucleotide variant.
Coding change: c.24358C>T on transcript NM_001267550.2 (MANE Select); coding-DNA position 24358, C replaced by T.
Protein change: p.Pro8120Ser; replaces proline 8120 with serine.
Molecular consequence: missense variant. On other transcripts: intron variant (3).
Genome position (GRCh38, 1-based): chr2:178,718,842, G>A on the plus strand (C>T on the coding strand, the complement: TTN is on the minus strand). VCF-style: chr2-178718842-G-A. GRCh37 (hg19) VCF-style: chr2-179583569-G-A.
Other names: p.P7803S:CCT>TCT; c.23407C>T, p.Pro7803Ser (NM_001256850.1); c.20626C>T, p.Pro6876Ser (NM_133378.4); c.13282+19240C>T (NM_003319.4); c.13858+19240C>T (NM_133437.4); c.13657+19240C>T (NM_133432.3); short protein forms P7803S, P8120S, P6876S.
Identifiers: ClinVar variation 203329 (VCV000203329.4), dbSNP rs745913661, ClinGen allele CA312055.

ClinVar aggregate classification (germline): Uncertain significance. Review status: criteria provided, multiple submitters, no conflicts (2 of 4 stars). 2 submissions from 2 submitters: Uncertain significance (2). Last evaluated 2016-06-20.

Conditions:
Dilated cardiomyopathy 1G (CMD1G). Identifiers: Orphanet 154, MedGen C1858763, MONDO:0011400, OMIM 604145.
Autosomal recessive limb-girdle muscular dystrophy type 2J (LGMDR10). Also called: MUSCULAR DYSTROPHY, LIMB-GIRDLE, AUTOSOMAL RECESSIVE 10; Limb-girdle muscular dystrophy, type 2J. Identifiers: Orphanet 140922, MedGen C1837342, MONDO:0012127, OMIM 608807.

Allele frequency attached by ClinVar (database versions not stated): TOPMed 0.00002; gnomAD exomes 0.00003 and 0.00005; ExAC 0.00005.
gnomAD v4.1: 48 of 1,613,660 alleles (0.003%); highest among the groups gnomAD compares: East Asian, 0.11%; no homozygotes.

Submissions (2):

Labcorp Genetics (formerly Invitae), Labcorp
Classification: Uncertain significance for Dilated cardiomyopathy 1G; Autosomal recessive limb-girdle muscular dystrophy type 2J. Last evaluated: 2016-06-20. Review status: criteria provided, single submitter. Criteria: Invitae Variant Classification Sherloc (09022015). Collection method: clinical testing. Allele origin: germline.

GeneDx
Classification: Uncertain significance. Last evaluated: 2013-02-27. Review status: criteria provided, single submitter. Criteria: GeneDx Variant Classification (06012015). Collection method: clinical testing. Allele origin: germline. Affected: yes.
Comment: Missense variants in the TTN gene are considered 'unclassified' if they are not previously reported in the literature and do not have >1% frequency in the population to be considered a polymorphism. Research indicates that truncating mutations in the TTN gene are expected to account for approximately 25% of familial and 18% of sporadic idiopathic DCM; however, truncating variants in the TTN gene have been reported in approximately 3% of reported control alleles. There has been little investigation into non-truncating variants. (Herman D et al. Truncations of titin causing dilated cardiomyopathy. N Eng J Med 366:619-628, 2012) The variant is found in DCM panel(s).